The following is an entry in ClinVar:

NM_004612.4(TGFBR1):c.99G>A (p.Ala33=)

Gene: TGFBR1 (transforming growth factor beta receptor 1; plus strand). Cytogenetic location: 9q22.33.
Variant type: single nucleotide variant.
Coding change: c.99G>A on transcript NM_004612.4 (MANE Select); coding-DNA position 99, G replaced by A.
Protein change: p.Ala33=; no amino-acid change (alanine 33 retained).
Molecular consequence: synonymous variant.
Genome position (GRCh38, 1-based): chr9:99,128,856, G>A. VCF-style: chr9-99128856-G-A. GRCh37 (hg19) VCF-style: chr9-101891138-G-A.
Other names: c.99G>A, p.Ala33= (NM_001130916.3, NM_001306210.2).
Identifiers: ClinVar variation 477566 (VCV000477566.14), dbSNP rs779055286, ClinGen allele CA044892.

ClinVar aggregate classification (germline): Likely benign. Review status: criteria provided, multiple submitters, no conflicts (2 of 4 stars). 4 submissions from 4 submitters: Likely benign (4). Last evaluated 2025-12-23.

Conditions:
Loeys-Dietz syndrome (LDS). Identifiers: Orphanet 60030, MedGen C2697932, MONDO:0018954.
Familial thoracic aortic aneurysm and aortic dissection (TAAD). Also called: Thoracic aortic aneurysms and dissections. Identifiers: Orphanet 91387, MedGen C4707243, MONDO:0019625.

Allele frequency attached by ClinVar (database versions not stated): gnomAD 0.00001.
gnomAD v4.1: 18 of 1,613,430 alleles (0.0011%); highest among the groups gnomAD compares: Admixed American, 0.005%; no homozygotes.

Submissions (4):

Labcorp Genetics (formerly Invitae), Labcorp
Classification: Likely benign for Familial thoracic aortic aneurysm and aortic dissection. Last evaluated: 2025-12-23. Review status: criteria provided, single submitter. Criteria: Invitae Variant Classification Sherloc (09022015). Collection method: clinical testing. Allele origin: germline.

All of Us Research Program, National Institutes of Health
Classification: Likely benign for Loeys-Dietz syndrome. Last evaluated: 2023-08-15. Review status: criteria provided, single submitter. Criteria: ACMG Guidelines, 2015. Collection method: clinical testing. Allele origin: germline. Inheritance: Autosomal dominant inheritance. Observed: 1 variant allele, 1 heterozygote.
Comment: This study involves interpretation of variants in research participants for the purpose of population health screening. Participant phenotype was not available at the time of variant classification. Additional details can be found in publication PMID: 35346344, PMCID: PMC8962531

Color Diagnostics, LLC DBA Color Health
Classification: Likely benign for Familial thoracic aortic aneurysm and aortic dissection. Last evaluated: 2021-04-19. Review status: criteria provided, single submitter. Criteria: ACMG Guidelines, 2015. Collection method: clinical testing. Allele origin: germline.

Ambry Genetics
Classification: Likely benign for Familial thoracic aortic aneurysm and aortic dissection. Last evaluated: 2021-02-03. Review status: criteria provided, single submitter. Criteria: Ambry Variant Classification Scheme 2023. Collection method: clinical testing. Allele origin: germline.